The following is an entry in ClinVar:

NM_001282933.2(ZNF341):c.315G>T (p.Gln105His)

Gene: ZNF341 (zinc finger protein 341; plus strand). Cytogenetic location: 20q11.22.
Variant type: single nucleotide variant.
Coding change: c.315G>T on transcript NM_001282933.2 (MANE Select); coding-DNA position 315, G replaced by T.
Protein change: p.Gln105His; replaces glutamine 105 with histidine.
Molecular consequence: missense variant. On other transcripts: non-coding transcript variant (1), intron variant (1).
Genome position (GRCh38, 1-based): chr20:33,745,275, G>T. VCF-style: chr20-33745275-G-T. GRCh37 (hg19) VCF-style: chr20-32333081-G-T.
Other names: c.315G>T, p.Gln105His (NM_032819.5); c.70-3648G>T (NM_001282935.2); short protein forms Q105H.
Identifiers: ClinVar variation 1714881 (VCV001714881.5), dbSNP rs2515452394, ClinGen allele CA408645897.

ClinVar aggregate classification (germline): Uncertain significance (1 of 4 stars; one submission).

Submission:

Labcorp Genetics (formerly Invitae), Labcorp
Classification: Uncertain significance. Last evaluated: 2022-08-03. Review status: criteria provided, single submitter. Criteria: Invitae Variant Classification Sherloc (09022015). Collection method: clinical testing. Allele origin: germline.
Comment: In summary, the available evidence is currently insufficient to determine the role of this variant in disease. Therefore, it has been classified as a Variant of Uncertain Significance. Algorithms developed to predict the effect of missense changes on protein structure and function are either unavailable or do not agree on the potential impact of this missense change (SIFT: "Deleterious"; PolyPhen-2: "Possibly Damaging"; Align-GVGD: "Class C0"). This variant has not been reported in the literature in individuals affected with ZNF341-related conditions. This variant is not present in population databases (gnomAD no frequency). This sequence change replaces glutamine, which is neutral and polar, with histidine, which is basic and polar, at codon 105 of the ZNF341 protein (p.Gln105His).